The following is an entry in ClinVar:

ClinVar aggregate classification (germline): Uncertain significance (1 of 4 stars; one submission).

gnomAD v4.1: 3 of 1,613,992 alleles (0.00019%); highest among the groups gnomAD compares: Admixed American, 0.005%; no homozygotes.

Submission:

Labcorp Genetics (formerly Invitae), Labcorp
Classification: Uncertain significance. Last evaluated: 2026-01-12. Review status: criteria provided, single submitter. Criteria: Invitae Variant Classification Sherloc (09022015). Collection method: clinical testing. Allele origin: germline.
Comment: This sequence change replaces proline, which is neutral and non-polar, with glutamine, which is neutral and polar, at codon 5029 of the MACF1 protein (p.Pro5029Gln). This variant is present in population databases (no rsID available, gnomAD 0.006%). This variant has not been reported in the literature in individuals affected with MACF1-related conditions. An algorithm developed to predict the effect of missense changes on protein structure and function (PolyPhen-2) suggests that this variant is likely to be tolerated. In summary, the available evidence is currently insufficient to determine the role of this variant in disease. Therefore, it has been classified as a Variant of Uncertain Significance.

NM_001394062.1(MACF1):c.21263C>A (p.Pro7088Gln)

Gene: MACF1 (microtubule actin crosslinking factor 1; plus strand). Cytogenetic location: 1p34.3.
Variant type: single nucleotide variant.
Coding change: c.21263C>A on transcript NM_001394062.1 (MANE Select); coding-DNA position 21263, C replaced by A.
Protein change: p.Pro7088Gln; replaces proline 7088 with glutamine.
Molecular consequence: missense variant.
Genome position (GRCh38, 1-based): chr1:39,459,152, C>A. VCF-style: chr1-39459152-C-A. GRCh37 (hg19) VCF-style: chr1-39924824-C-A.
Other names: c.9341C>A, p.Pro3114Gln (NM_001397473.1); c.15086C>A, p.Pro5029Gln (NM_012090.5); short protein forms P3114Q, P5029Q, P7088Q.
Identifiers: ClinVar variation 4803692 (VCV004803692.1).